The following is an entry in ClinVar:

NM_024570.4(RNASEH2B):c.63del (p.Glu22fs)

Genes: RNASEH2B-AS1 (RNASEH2B antisense RNA 1; minus strand), RNASEH2B (ribonuclease H2 subunit B; plus strand), LOC130009810 (ATAC-STARR-seq lymphoblastoid silent region 5362; plus strand). Cytogenetic location: 13q14.3.
Variant type: Deletion.
Coding change: c.63del on transcript NM_024570.4 (MANE Select); coding-DNA position 63, one base deleted (A; older notation c.63delA).
Protein change: p.Glu22fs; shifts the reading frame from glutamic acid 22.
Molecular consequence: frameshift variant.
Genome position (GRCh38, 1-based): chr13:50,910,139, A deleted. VCF-style (leftmost placement, unchanged base first): chr13-50910138-CA-C. GRCh37 (hg19) VCF-style: chr13-51484274-CA-C.
Other names: c.63del, p.Glu22fs (NM_001142279.2); short protein forms E22fs.
Identifiers: ClinVar variation 1420289 (VCV001420289.6), dbSNP rs2137866660, ClinGen allele CA2573149643.

ClinVar aggregate classification (germline): Pathogenic (1 of 4 stars; one submission).

Conditions:
Aicardi-Goutieres syndrome 2. Identifiers: Orphanet 51, MedGen C3489724, MONDO:0012429, OMIM 610181.

Submission:

Labcorp Genetics (formerly Invitae), Labcorp
Classification: Pathogenic for Aicardi-Goutieres syndrome 2. Last evaluated: 2022-08-09. Review status: criteria provided, single submitter. Criteria: Invitae Variant Classification Sherloc (09022015). Collection method: clinical testing. Allele origin: germline.
Comment: For these reasons, this variant has been classified as Pathogenic. Algorithms developed to predict the effect of sequence changes on RNA splicing suggest that this variant may disrupt the consensus splice site. ClinVar contains an entry for this variant (Variation ID: 1420289). This variant has not been reported in the literature in individuals affected with RNASEH2B-related conditions. This variant is not present in population databases (gnomAD no frequency). This sequence change creates a premature translational stop signal (p.Glu22Asnfs*3) in the RNASEH2B gene. It is expected to result in an absent or disrupted protein product. Loss-of-function variants in RNASEH2B are known to be pathogenic (PMID: 17846997).

Literature cited by the submitters: PubMed 17846997.